The following is an entry in ClinVar:

NM_001270.4(CHD1):c.1280C>A (p.Ala427Asp)

Gene: CHD1 (chromodomain helicase DNA binding protein 1; minus strand). Cytogenetic location: 5q15.
Variant type: single nucleotide variant.
Coding change: c.1280C>A on transcript NM_001270.4 (MANE Select); coding-DNA position 1280, C replaced by A.
Protein change: p.Ala427Asp; replaces alanine 427 with aspartic acid.
Molecular consequence: missense variant. On other transcripts: non-coding transcript variant (2).
Genome position (GRCh38, 1-based): chr5:98,898,341, G>T on the plus strand (C>A on the coding strand, the complement: CHD1 is on the minus strand). VCF-style: chr5-98898341-G-T. GRCh37 (hg19) VCF-style: chr5-98234045-G-T.
Other names: c.1280C>A, p.Ala427Asp (NM_001364113.3, NM_001376194.2); short protein forms A427D.
Identifiers: ClinVar variation 5009332 (VCV005009332.1).

ClinVar aggregate classification (germline): Uncertain significance (1 of 4 stars; one submission).

Submission:

GeneDx
Classification: Uncertain significance. Last evaluated: 2026-03-16. Review status: criteria provided, single submitter. Criteria: GeneDx Variant Classification Process June 2021. Collection method: clinical testing. Allele origin: germline.
Comment: Not observed at significant frequency in large population cohorts (gnomAD); In silico analysis supports that this missense variant has a deleterious effect on protein structure/function; Has not been previously published as pathogenic or benign to our knowledge